The following is an entry in ClinVar:

ClinVar aggregate classification (germline): Uncertain significance (1 of 4 stars; one submission).

Conditions:
Cardiovascular phenotype. Identifiers: MedGen CN230736.

Submission:

Ambry Genetics
Classification: Uncertain significance for Cardiovascular phenotype. Last evaluated: 2025-06-25. Review status: criteria provided, single submitter. Criteria: Ambry Variant Classification Scheme 2023. Collection method: clinical testing. Allele origin: germline.
Comment: The c.6728-2A>C intronic variant results from an A to C substitution two nucleotides upstream from coding exon 41 in the FLNC gene. Alterations that disrupt the canonical splice site are expected to result in aberrant splicing. In silico splice site analysis predicts that this alteration will weaken the native splice acceptor site and will result in the creation or strengthening of a novel splice acceptor site. A resulting transcript is predicted to be in-frame and is not expected to trigger nonsense-mediated mRNAdecay; although, direct evidence is unavailable. This nucleotide position is highly conserved in available vertebrate species. Based on the available evidence, the clinical significance of this variant remains unclear.

NM_001458.5(FLNC):c.6728-2A>C

Genes: FLNC (filamin C; plus strand), FLNC-AS1 (FLNC antisense RNA 1; minus strand). Cytogenetic location: 7q32.1.
Variant type: single nucleotide variant.
Coding change: c.6728-2A>C on transcript NM_001458.5 (MANE Select); the canonical splice acceptor site of the intron before coding-DNA position 6728, A replaced by C.
Molecular consequence: splice acceptor variant.
Genome position (GRCh38, 1-based): chr7:128,854,411, A>C. VCF-style: chr7-128854411-A-C. GRCh37 (hg19) VCF-style: chr7-128494465-A-C.
Other names: c.6629-2A>C (NM_001127487.2).
Identifiers: ClinVar variation 4258262 (VCV004258262.1).